The following is an entry in ClinVar:

ClinVar aggregate classification (germline): Pathogenic. Review status: criteria provided, multiple submitters, no conflicts (2 of 4 stars). 2 submissions from 2 submitters: Pathogenic (2). Last evaluated 2026-07-13.

Conditions:
X-linked Alport syndrome (ATS1). Also called: COL4A5-Related Nephropathy; NEPHROPATHY AND DEAFNESS, X-LINKED. Identifiers: Orphanet 63, Orphanet 88917, MedGen C4746986, MONDO:0010520, OMIM 301050.

Submissions (2):

Centre de Génétique Humaine, Institut de Pathologie Et de Génétique
Classification: Pathogenic for X-linked Alport syndrome. Last evaluated: 2026-07-13. Review status: criteria provided, single submitter. Criteria: ACMG Guidelines, 2015. Collection method: clinical testing. Allele origin: germline, maternal. Inheritance: X-linked dominant inheritance. Affected: yes. Observed: 3 variant alleles, 2 heterozygotes, 1 hemizygote. Clinical features observed: Microscopic hematuria (HP:0002907), Proteinuria (HP:0000093), Hypertensive disorder (HP:0000822), Stage 5 chronic kidney disease (HP:0003774), Moderate albuminuria (HP:0012594), Stage 3 chronic kidney disease (HP:0012625), Stage 2 chronic kidney disease (HP:0012624). Segregation with disease observed.
Comment: This missense variant involves a highly conserved glycine located in a ‘Gly-X-Y’ motif in collagenous region, (PM1,PP2). This variant is rare: absent in gnomAD v4.1.0 database (PM2). Three other missense variants affecting the same residue described as likely pathogenic/pathogenic: c.865G>C p.(Gly 289Arg), PMID: 29095814; c.865G>A p.(Gly 289Ser), PMID: 40057613; PMID: 40485705 and ClinVar; c.866G>A (p.Gly289Asp) in ClinVar (PM5). In silico analysis supports that this missense variant has a deleterious effect (PP3). Described in scientific literature and ClinVar as LP/P (PP5). Cosegregation in a family analysed in our lab (PP1)

CeGaT Center for Human Genetics Tuebingen
Classification: Pathogenic. Last evaluated: 2024-02-01. Review status: criteria provided, single submitter. Criteria: CeGaT Center For Human Genetics Tuebingen Variant Classification Criteria Version 2. Collection method: clinical testing. Allele origin: germline. Affected: yes. Observed: 1 variant allele.
Comment: COL4A5: PM1:Strong, PM2, PM5, PP4, PS4:Supporting

Literature cited by the submitters: PubMed 7706490 (cited by Centre de Génétique Humaine, Institut de Pathologie Et de Génétique); PubMed 41398421 (cited by Centre de Génétique Humaine, Institut de Pathologie Et de Génétique).

NM_033380.3(COL4A5):c.866G>T (p.Gly289Val)

Gene: COL4A5 (collagen type IV alpha 5 chain; plus strand). Cytogenetic location: Xq22.3.
Variant type: single nucleotide variant.
Coding change: c.866G>T on transcript NM_033380.3 (MANE Select); coding-DNA position 866, G replaced by T.
Protein change: p.Gly289Val; replaces glycine 289 with valine.
Molecular consequence: missense variant.
Genome position (GRCh38, 1-based): chrX:108,580,713, G>T. VCF-style: chrX-108580713-G-T. GRCh37 (hg19) VCF-style: chrX-107823943-G-T.
Other names: p.(Gly289Val); c.866G>T, p.Gly289Val (NM_000495.5); short protein forms G289V.
Identifiers: ClinVar variation 24330 (VCV000024330.23), dbSNP rs104886450, ClinGen allele CA258337.